The following is an entry in ClinVar:

NM_014269.4(ADAM29):c.2454G>A (p.Thr818=)

Gene: ADAM29 (ADAM metallopeptidase domain 29; plus strand). Cytogenetic location: 4q34.1.
Variant type: single nucleotide variant.
Coding change: c.2454G>A on transcript NM_014269.4 (MANE Select); coding-DNA position 2454, G replaced by A.
Protein change: p.Thr818=; no amino-acid change (threonine 818 retained).
Molecular consequence: synonymous variant.
Genome position (GRCh38, 1-based): chr4:174,977,979, G>A. VCF-style: chr4-174977979-G-A. GRCh37 (hg19) VCF-style: chr4-175899130-G-A.
Other names: c.2454G>A, p.Thr818= (NM_001130703.1, NM_001130704.1, NM_001130705.1 and 3 more transcripts); c.2292G>A, p.Thr764= (NM_021779.1).
Identifiers: ClinVar variation 2655196 (VCV002655196.24), dbSNP rs376108430, ClinGen allele CA3143371.

ClinVar aggregate classification (germline): Likely benign (1 of 4 stars; one submission).

Allele frequency attached by ClinVar (database versions not stated): gnomAD exomes 0.00006; ExAC 0.00014; ESP Exome Variant Server 0.00015; 1000 Genomes Project 0.00180.

Submission:

CeGaT Center for Human Genetics Tuebingen
Classification: Likely benign. Last evaluated: 2023-01-01. Review status: criteria provided, single submitter. Criteria: CeGaT Center For Human Genetics Tuebingen Variant Classification Criteria Version 2. Collection method: clinical testing. Allele origin: germline. Affected: yes. Observed: 1 variant allele.
Comment: ADAM29: BP4, BP7